The following is an entry in ClinVar:

ClinVar aggregate classification (germline): Uncertain significance (1 of 4 stars; one submission).

Conditions:
Autosomal dominant hypocalcemia 1 (HYPOC1). Also called: HYPOCALCEMIA, FAMILIAL. Identifiers: MedGen C3715128, MONDO:0011013, OMIM 601198.
Familial hypocalciuric hypercalcemia (FHH). Also called: Familial benign hypercalcemia. Identifiers: Orphanet 405, MedGen C1809471, MONDO:0018458.

Submission:

Labcorp Genetics (formerly Invitae), Labcorp
Classification: Uncertain significance for Familial hypocalciuric hypercalcemia; Autosomal dominant hypocalcemia 1. Last evaluated: 2022-05-26. Review status: criteria provided, single submitter. Criteria: Invitae Variant Classification Sherloc (09022015). Collection method: clinical testing. Allele origin: germline.
Comment: Algorithms developed to predict the effect of missense changes on protein structure and function are either unavailable or do not agree on the potential impact of this missense change (SIFT: "Deleterious"; PolyPhen-2: "Benign"; Align-GVGD: "Class C15"). This variant has not been reported in the literature in individuals affected with CASR-related conditions. This variant is not present in population databases (gnomAD no frequency). This sequence change replaces proline, which is neutral and non-polar, with arginine, which is basic and polar, at codon 982 of the CASR protein (p.Pro982Arg). In summary, the available evidence is currently insufficient to determine the role of this variant in disease. Therefore, it has been classified as a Variant of Uncertain Significance.

NM_000388.4(CASR):c.2945C>G (p.Pro982Arg)

Gene: CASR (calcium sensing receptor; plus strand). Cytogenetic location: 3q21.1.
Variant type: single nucleotide variant.
Coding change: c.2945C>G on transcript NM_000388.4 (MANE Select); coding-DNA position 2945, C replaced by G.
Protein change: p.Pro982Arg; replaces proline 982 with arginine.
Molecular consequence: missense variant.
Genome position (GRCh38, 1-based): chr3:122,284,899, C>G. VCF-style: chr3-122284899-C-G. GRCh37 (hg19) VCF-style: chr3-122003746-C-G.
Other names: c.2975C>G, p.Pro992Arg (NM_001178065.2); short protein forms P982R, P992R.
Identifiers: ClinVar variation 1999158 (VCV001999158.4), dbSNP rs2473282802, ClinGen allele CA354161117.